The following is an entry in ClinVar:

NM_000814.6(GABRB3):c.916A>G (p.Ile306Val)

Gene: GABRB3 (gamma-aminobutyric acid type A receptor subunit beta3; minus strand). Cytogenetic location: 15q12.
Variant type: single nucleotide variant.
Coding change: c.916A>G on transcript NM_000814.6 (MANE Select); coding-DNA position 916, A replaced by G.
Protein change: p.Ile306Val; replaces isoleucine 306 with valine.
Molecular consequence: missense variant.
Genome position (GRCh38, 1-based): chr15:26,561,096, T>C on the plus strand (A>G on the coding strand, the complement: GABRB3 is on the minus strand). VCF-style: chr15-26561096-T-C. GRCh37 (hg19) VCF-style: chr15-26806243-T-C.
Other names: c.661A>G, p.Ile221Val (NM_001191320.2, NM_001278631.2); c.703A>G, p.Ile235Val (NM_001191321.3); c.916A>G, p.Ile306Val (NM_021912.5); short protein forms I221V, I235V, I306V.
Identifiers: ClinVar variation 1013059 (VCV001013059.40), dbSNP rs1889965563, ClinGen allele CA391462097.
Genomic context (GRCh38, chr15:26,561,096, plus strand): 5'-AGGCATACTCCAGAAGGGCCAGGAACACAAAGACGAAGCAGCCCATAAGGTACATGTCAA[T>C]GGCTTTGACATAGGGGATTTTGGGCAAGGTCTCCCGAAGGTGGGTGTTGATGGTTGTCAT-3'
Protein context (NP_000805.1, residues 296-316): TLPKIPYVKA[Ile306Val]DMYLMGCFVF

ClinVar aggregate classification (germline): Conflicting classifications of pathogenicity. Review status: criteria provided, conflicting classifications (1 of 4 stars). 2 submissions from 2 submitters: Likely pathogenic (1); Uncertain significance (1). Last evaluated 2021-04-26.

Submissions (2):

Genetics Laboratory, UDIAT-Centre Diagnòstic, Hospital Universitari Parc Tauli
Classification: Likely pathogenic. Last evaluated: 2021-04-26. Review status: criteria provided, single submitter. Criteria: Parc Tauli Hospital Assertion Criteria 2021. Collection method: clinical testing. Allele origin: de novo. Inheritance: Autosomal dominant inheritance. Affected: yes. Observed: 1 heterozygote.
Comment: PM1_moderate;PM2_supporting;PM5_moderate;PM6_moderate;PP2_supporting;PP2_supporting

CeGaT Center for Human Genetics Tuebingen
Classification: Uncertain significance. Last evaluated: 2020-07-01. Review status: criteria provided, single submitter. Criteria: CeGaT Center For Human Genetics Tuebingen Variant Classification Criteria Version 2. Collection method: clinical testing. Allele origin: germline. Affected: yes. Observed: 1 variant allele.